The following continues an entry in ClinVar:

NM_005105.5(RBM8A):c.67+32G>C

ClinVar aggregate classification (germline): Pathogenic/Likely pathogenic/Pathogenic, low penetrance/Established risk allele. Pathogenic (15); Likely pathogenic (4); Pathogenic, low penetrance (1); Established risk allele (1).

Submissions 11 to 27 of 27:

Mayo Clinic Laboratories, Mayo Clinic
Classification: Pathogenic. Last evaluated: 2024-04-19. Review status: criteria provided, single submitter. Criteria: ACMG Guidelines, 2015. Collection method: clinical testing. Allele origin: germline.
Comment: BS1, BS2, PM3_very_strong, PS3, PS4_supporting

Department of Pathology and Laboratory Medicine, Sinai Health System
Classification: Likely pathogenic for Radial aplasia-thrombocytopenia syndrome. Last evaluated: 2023-07-10. Review status: criteria provided, single submitter. Criteria: ACMG Guidelines, 2015. Collection method: research. Allele origin: germline.

Women's Health and Genetics/Laboratory Corporation of America, LabCorp
Classification: Pathogenic for Radial aplasia-thrombocytopenia syndrome. Last evaluated: 2023-04-25. Review status: criteria provided, single submitter. Criteria: LabCorp Variant Classification Summary - May 2015. Collection method: clinical testing. Allele origin: germline.
Comment: Variant summary: RBM8A c.67+32G>C is located at a position not widely known to affect splicing. 4/4 computational tools predict no significant impact on normal splicing. The variant allele was found at a frequency of 0.0055 in 234162 control chromosomes in the gnomAD database, including 8 homozygotes. Homozygotes in this variant are not expected to have features of TAR due to compound inheritance mechanism of this disease. c.67+32G>C has been reported to segregate with disease in the literature in multiple individuals affected with Radial Aplasia-Thrombocytopenia Syndrome, combined with a 1q21.1 deletion (Albers_2012). These data indicate that the variant is very likely to be associated with disease. Experimental studies suggest a reduced expression of the RBM8A protein and possibly disrupting a transcription factor binding site (Albers_2012). Nine clinical diagnostic laboratories have submitted clinical-significance assessments for this variant to ClinVar after 2014 without evidence for independent evaluation. All laboratories classified the variant as pathogenic (n=8) and likely pathogenic (n=1). Based on the evidence outlined above, the variant was classified as pathogenic.

Institute of Human Genetics, University of Leipzig Medical Center
Classification: Pathogenic for Radial aplasia-thrombocytopenia syndrome. Last evaluated: 2023-04-19. Review status: criteria provided, single submitter. Criteria: ACMG Guidelines, 2015. Collection method: clinical testing. Allele origin: unknown. Affected: yes.
Comment: This variant was identified as hemizygous in trans with a 414kb Deletion causative for the TAR Syndrome._x000D_ Criteria applied: PM3_VSTR, PS3, PP4

Mendelics
Classification: Pathogenic for Radial aplasia-thrombocytopenia syndrome. Last evaluated: 2022-05-04. Review status: criteria provided, single submitter. Criteria: Mendelics Assertion Criteria 2019. Collection method: clinical testing. Allele origin: germline.

Fulgent Genetics
Classification: Pathogenic for Radial aplasia-thrombocytopenia syndrome. Last evaluated: 2022-04-13. Review status: criteria provided, single submitter. Criteria: ACMG Guidelines, 2015. Collection method: clinical testing. Allele origin: unknown.

Institute of Medical Genetics and Applied Genomics, University Hospital Tübingen
Classification: Pathogenic. Last evaluated: 2020-10-23. Review status: criteria provided, single submitter. Criteria: ACMG Guidelines, 2015. Collection method: clinical testing. Allele origin: germline. Inheritance: Autosomal recessive inheritance. Affected: yes.

Knight Diagnostic Laboratories, Oregon Health and Sciences University
Classification: Likely pathogenic for Clinodactyly of the 5th finger; Global developmental delay; Abnormal brain morphology. Last evaluated: 2019-02-22. Review status: criteria provided, single submitter. Criteria: ACMG Guidelines, 2015. Collection method: clinical testing. Allele origin: germline. Observed: 2 variant alleles.

Laboratory for Molecular Medicine, Mass General Brigham Personalized Medicine
Classification: Pathogenic for Radial aplasia-thrombocytopenia syndrome. Last evaluated: 2018-08-14. Review status: criteria provided, single submitter. Criteria: LMM Criteria. Collection method: clinical testing. Allele origin: germline. Inheritance: Autosomal recessive inheritance. Observed: 4 variant alleles.
Comment: The c.67+32G>C variant in RBM8A has been reported in >25 individuals with thromb ocytopenia with absent radius (TAR) syndrome, all of whom had a submicroscopic d eletion encompassing the RBM8A gene on the second allele (Albers 2012, Manukjan 2017), suggesting that compound heterozygosity for this variant and a loss of fu nction variant in RBM8A is disease causing. In vitro studies demonstrated that t his variant may lead to reduced gene expression (Albers 2012). Although this var iant has also been identified in 2.5% (562/24044) of Finnish and 0.7% (883/11850 8) of other European chromosomes, including 11 homozygotes, by the Genome Aggreg ation Database (gnomAD; dbSNP rs201779890), loss of function variants in RBM8A are very rare in large population studies, sugges ting that compound heterozygosity for the c.67+32G>C variant and a loss of funct ion variant in RBM8A is rare. Compound heterozygosity for this variant and a los s-of-function variant in RBM8A is strongly associated with TAR syndrome. Note th at individuals that are homozygous for this variant are not expected to have fea tures of TAR syndrome. In summary, this variant is pathogenic for TAR syndrome i n an autosomal recessive manner. ACMG/AMP Criteria applied: PS3, PM3_VeryStrong.

Eurofins Ntd Llc (ga)
Classification: Pathogenic. Last evaluated: 2016-01-26. Review status: criteria provided, single submitter. Criteria: EGL Classification Definitions. Collection method: clinical testing. Allele origin: germline.

Juno Genomics, Hangzhou Juno Genomics, Inc
Classification: Pathogenic for Radial aplasia-thrombocytopenia syndrome. Review status: criteria provided, single submitter. Criteria: ACMG Guidelines, 2015. Collection method: clinical testing. Allele origin: germline. Affected: yes.
Comment: Absent from controls (or at extremely low frequency if recessive) in Genome Aggregation Database, Exome Sequencing Project, 1000 Genomes Project, or Exome Aggregation Consortium.;For recessive disorders, detected in trans with a pathogenic variant.;Well-established in vitro or in vivo functional studies supportive of a damaging effect on the gene or gene product.

Genomic Research Center, Shahid Beheshti University of Medical Sciences
Classification: Likely pathogenic. Last evaluated: 2022-12-24. Review status: no assertion criteria provided. Collection method: not provided. Allele origin: inherited. Not counted in ClinVar's aggregate classification.
ClinVar note: Converted during submission from probable-pathogenic to Likely pathogenic.

Reproductive Health Research and Development, BGI Genomics
Classification: Pathogenic for Radial aplasia-thrombocytopenia syndrome. Last evaluated: 2020-01-06. Review status: no assertion criteria provided. Collection method: curation. Allele origin: germline. Not counted in ClinVar's aggregate classification.
Comment: NG_032654.2(NM_005105.4):c.67+32G>C in the RBM8A gene has an allele frequency of 0.023 in European(non-Finnish) subpopulation in the gnomAD database. Experimental studies have reported that c.67+32G>C leads to a partial decrease in RBM8A expression in vitro, possibly by disrupting a transcription factor binding site (PMID: 22366785). It was detected in multiple individuals with Radial aplasia-thrombocytopenia syndrome, compound heterozygous with a submicroscopic deletion encompassing the RBM8A gene (PMID: 22366785). Taken together, we interprete this variant as Pathogenic/Likely pathogenic variant. ACMG/AMP criteria applied: PS3; PM3_Strong; PP4.

OMIM
Classification: Pathogenic for THROMBOCYTOPENIA-ABSENT RADIUS SYNDROME. Last evaluated: 2012-02-26. Review status: no assertion criteria provided. Collection method: literature only. Allele origin: germline. Not counted in ClinVar's aggregate classification.

Diagnostic Laboratory, Department of Genetics, University Medical Center Groningen
Classification: Likely pathogenic. Review status: no assertion criteria provided. Collection method: clinical testing. Allele origin: germline. Affected: yes. Study: VKGL Data-share Consensus. Not counted in ClinVar's aggregate classification.

GeneReviews
No classification provided. Condition: Radial aplasia-thrombocytopenia syndrome. Review status: no classification provided. Collection method: literature only. Allele origin: germline. Affected: yes. Not counted in ClinVar's aggregate classification.

Joint Genome Diagnostic Labs from Nijmegen and Maastricht, Radboudumc and MUMC+
Classification: Likely pathogenic. Review status: no assertion criteria provided. Collection method: clinical testing. Allele origin: germline. Affected: yes. Study: VKGL Data-share Consensus. Not counted in ClinVar's aggregate classification.

Literature cited by the submitters: PubMed 22366785 (cited by 9 submitters); PubMed 32227665 (cited by 3 submitters); PubMed 32109542 (cited by Ambry Genetics and Mayo Clinic Laboratories, Mayo Clinic); PubMed 34906519 (cited by Ambry Genetics and Mayo Clinic Laboratories, Mayo Clinic); PubMed 34958143 (cited by Ambry Genetics); PubMed 28857120 (cited by Mayo Clinic Laboratories, Mayo Clinic and Laboratory for Molecular Medicine, Mass General Brigham Personalized Medicine); PubMed 36077017 (cited by Mayo Clinic Laboratories, Mayo Clinic); NCBI Bookshelf NBK23758 (cited by GeneReviews).